The following is an entry in ClinVar:

NM_004656.4(BAP1):c.563T>G (p.Val188Gly)

Gene: BAP1 (BRCA1 associated deubiquitinase 1; minus strand). Cytogenetic location: 3p21.1.
Variant type: single nucleotide variant.
Coding change: c.563T>G on transcript NM_004656.4 (MANE Select); coding-DNA position 563, T replaced by G.
Protein change: p.Val188Gly; replaces valine 188 with glycine.
Molecular consequence: missense variant.
Genome position (GRCh38, 1-based): chr3:52,407,191, A>C on the plus strand (T>G on the coding strand, the complement: BAP1 is on the minus strand). VCF-style: chr3-52407191-A-C. GRCh37 (hg19) VCF-style: chr3-52441207-A-C.
Other names: c.563T>G, p.Val188Gly (NM_001410772.1); short protein forms V188G.
Identifiers: ClinVar variation 2121154 (VCV002121154.4), dbSNP rs2153227778, ClinGen allele CA353109547.

ClinVar aggregate classification (germline): Uncertain significance (1 of 4 stars; one submission).

Conditions:
BAP1-related tumor predisposition syndrome (TPDS1). Also called: Tumor susceptibility linked to germline BAP1 mutations; COMMON Syndrome; TUMOR PREDISPOSITION SYNDROME 1; BAP1 tumor predisposition syndrome. Identifiers: Orphanet 289539, MedGen C3280492, MONDO:0013692, OMIM 614327.

Submission:

Labcorp Genetics (formerly Invitae), Labcorp
Classification: Uncertain significance for BAP1-related tumor predisposition syndrome. Last evaluated: 2022-04-03. Review status: criteria provided, single submitter. Criteria: Invitae Variant Classification Sherloc (09022015). Collection method: clinical testing. Allele origin: germline.
Comment: This sequence change replaces valine, which is neutral and non-polar, with glycine, which is neutral and non-polar, at codon 188 of the BAP1 protein (p.Val188Gly). This variant is not present in population databases (gnomAD no frequency). This variant has not been reported in the literature in individuals affected with BAP1-related conditions. Algorithms developed to predict the effect of missense changes on protein structure and function (SIFT, PolyPhen-2, Align-GVGD) all suggest that this variant is likely to be tolerated. In summary, the available evidence is currently insufficient to determine the role of this variant in disease. Therefore, it has been classified as a Variant of Uncertain Significance.